The following is an entry in ClinVar:

NM_000629.3(IFNAR1):c.731A>G (p.Tyr244Cys)

Gene: IFNAR1 (interferon alpha and beta receptor subunit 1; plus strand). Cytogenetic location: 21q22.11.
Variant type: single nucleotide variant.
Coding change: c.731A>G on transcript NM_000629.3 (MANE Select); coding-DNA position 731, A replaced by G.
Protein change: p.Tyr244Cys; replaces tyrosine 244 with cysteine.
Molecular consequence: missense variant. On other transcripts: 5 prime UTR variant (1).
Genome position (GRCh38, 1-based): chr21:33,345,303, A>G. VCF-style: chr21-33345303-A-G. GRCh37 (hg19) VCF-style: chr21-34717609-A-G.
Other names: c.731A>G (NM_000629.2); c.731A>G, p.Tyr244Cys (NM_001384498.1, NM_001384499.1, NM_001384501.1 and 1 more transcripts); c.-32A>G (NM_001384500.1); c.269A>G, p.Tyr90Cys (NM_001384502.1); c.524A>G, p.Tyr175Cys (NM_001384504.1); short protein forms Y244C, Y90C, Y175C.
Identifiers: ClinVar variation 1417335 (VCV001417335.7), dbSNP rs199748774, ClinGen allele CA10006580.
Genomic context (GRCh38, chr21:33,345,303, plus strand): 5'-TAGTTGAAAATGAACTACCTCCACCAGAAAATATAGAAGTCAGTGTCCAAAATCAGAACT[A>G]TGTTCTTAAATGGGATTATACATATGCAAACATGACCTTTCAAGTTCAGTGGCTCCAGTA-3'
Protein context (NP_000620.2, residues 234-254): NIEVSVQNQN[Tyr244Cys]VLKWDYTYAN

ClinVar aggregate classification (germline): Uncertain significance. Review status: criteria provided, multiple submitters, no conflicts (2 of 4 stars). 3 submissions from 3 submitters: Uncertain significance (3). Last evaluated 2025-11-11.

Conditions:
IFNAR1-related disorder. Also called: IFNAR1-related condition.

Allele frequency attached by ClinVar (database versions not stated): gnomAD exomes 0.00007 and 0.00009; gnomAD 0.00013 and 0.00016; 1000 Genomes Project 0.00020; TOPMed 0.00020; 1000 Genomes Project 30x 0.00031.
gnomAD v4.1: 147 of 1,608,166 alleles (0.0091%); highest among the groups gnomAD compares: Admixed American, 0.038%; no homozygotes.

Submissions (3):

Labcorp Genetics (formerly Invitae), Labcorp
Classification: Uncertain significance. Last evaluated: 2025-11-11. Review status: criteria provided, single submitter. Criteria: Invitae Variant Classification Sherloc (09022015). Collection method: clinical testing. Allele origin: germline.
Comment: This sequence change replaces tyrosine, which is neutral and polar, with cysteine, which is neutral and slightly polar, at codon 244 of the IFNAR1 protein (p.Tyr244Cys). This variant is present in population databases (rs199748774, gnomAD 0.04%). This variant has not been reported in the literature in individuals affected with IFNAR1-related conditions. ClinVar contains an entry for this variant (Variation ID: 1417335). An algorithm developed to predict the effect of missense changes on protein structure and function outputs the following: PolyPhen-2: "Benign". The cysteine amino acid residue is found in multiple mammalian species, which suggests that this missense change does not adversely affect protein function. In summary, the available evidence is currently insufficient to determine the role of this variant in disease. Therefore, it has been classified as a Variant of Uncertain Significance.

Ambry Genetics
Classification: Uncertain significance. Last evaluated: 2025-08-27. Review status: criteria provided, single submitter. Criteria: Ambry Variant Classification Scheme 2023. Collection method: clinical testing. Allele origin: germline.

PreventionGenetics, part of Exact Sciences
Classification: Uncertain significance for IFNAR1-related condition. Last evaluated: 2024-12-18. Review status: criteria provided, single submitter. Criteria: ACMG Guidelines, 2015. Collection method: clinical testing. Allele origin: germline.
Comment: The IFNAR1 c.731A>G variant is predicted to result in the amino acid substitution p.Tyr244Cys. To our knowledge, this variant has not been reported in the literature. This variant is reported in 0.029% of alleles in individuals of Ashkenazi Jewish descent in gnomAD. At this time, the clinical significance of this variant is uncertain due to the absence of conclusive functional and genetic evidence.